The following is an entry in ClinVar:

ClinVar aggregate classification (germline): Uncertain significance. Review status: criteria provided, multiple submitters, no conflicts (2 of 4 stars). 2 submissions from 2 submitters: Uncertain significance (2). Last evaluated 2024-09-24.

Conditions:
Inborn genetic diseases. Identifiers: MedGen C0950123, MeSH D030342.
Hereditary sensory and autonomic neuropathy type 7. Also called: Neuropathy, hereditary sensory and autonomic, type VII; HSAN VII. Identifiers: Orphanet 391397, MedGen C3809882, MONDO:0014244, OMIM 615548.
Familial episodic pain syndrome with predominantly lower limb involvement. Also called: Episodic pain syndrome, familial, 3. Identifiers: Orphanet 391384, Orphanet 391392, MedGen C3809899, MONDO:0014247, OMIM 615552.

Allele frequency attached by ClinVar (database versions not stated): TOPMed 0.00001; ExAC 0.00002.
gnomAD v4.1: 11 of 1,613,770 alleles (0.00068%); highest among the groups gnomAD compares: South Asian, 0.0011%; no homozygotes.

Submissions (2):

Labcorp Genetics (formerly Invitae), Labcorp
Classification: Uncertain significance for Familial episodic pain syndrome with predominantly lower limb involvement; Hereditary sensory and autonomic neuropathy type 7. Last evaluated: 2024-09-24. Review status: criteria provided, single submitter. Criteria: Invitae Variant Classification Sherloc (09022015). Collection method: clinical testing. Allele origin: germline.
Comment: This sequence change replaces valine, which is neutral and non-polar, with methionine, which is neutral and non-polar, at codon 243 of the SCN11A protein (p.Val243Met). This variant is present in population databases (rs745590214, gnomAD 0.003%). This variant has not been reported in the literature in individuals affected with SCN11A-related conditions. ClinVar contains an entry for this variant (Variation ID: 1758063). Invitae Evidence Modeling of protein sequence and biophysical properties (such as structural, functional, and spatial information, amino acid conservation, physicochemical variation, residue mobility, and thermodynamic stability) indicates that this missense variant is expected to disrupt SCN11A protein function with a positive predictive value of 80%. In summary, the available evidence is currently insufficient to determine the role of this variant in disease. Therefore, it has been classified as a Variant of Uncertain Significance.

Ambry Genetics
Classification: Uncertain significance for Inborn genetic diseases. Last evaluated: 2020-05-20. Review status: criteria provided, single submitter. Criteria: Ambry Variant Classification Scheme 2023. Collection method: clinical testing. Allele origin: germline.
Comment: The p.V243M variant (also known as c.727G>A), located in coding exon 6 of the SCN11A gene, results from a G to A substitution at nucleotide position 727. The valine at codon 243 is replaced by methionine, an amino acid with highly similar properties. This amino acid position is well conserved in available vertebrate species. In addition, the in silico prediction for this alteration is inconclusive. Since supporting evidence is limited at this time, the clinical significance of this alteration remains unclear.

NM_001349253.2(SCN11A):c.727G>A (p.Val243Met)

Gene: SCN11A (sodium voltage-gated channel alpha subunit 11; minus strand). Cytogenetic location: 3p22.2.
Variant type: single nucleotide variant.
Coding change: c.727G>A on transcript NM_001349253.2 (MANE Select); coding-DNA position 727, G replaced by A.
Protein change: p.Val243Met; replaces valine 243 with methionine.
Molecular consequence: missense variant.
Genome position (GRCh38, 1-based): chr3:38,921,241, C>T on the plus strand (G>A on the coding strand, the complement: SCN11A is on the minus strand). VCF-style: chr3-38921241-C-T. GRCh37 (hg19) VCF-style: chr3-38962732-C-T.
Other names: c.727G>A, p.Val243Met (NM_014139.3); short protein forms V243M.
Identifiers: ClinVar variation 1758063 (VCV001758063.7), dbSNP rs745590214, ClinGen allele CA2322522.
Genomic context (GRCh38, chr3:38,921,241, plus strand): 5'-AAAAGAAGGTGAGGATAATCACGTTGACCAGCTTCTTCACAGAGCGTAGCAAGGCCCCCA[C>T]GATGACCTTCAGACCTGAGAAAGAGGACAGGCTTGGGGAGAAGCCCATCCCCCTCAGCCA-3'
Protein context (NP_001336182.1, residues 233-253): ISVVSRLKVI[Val243Met]GALLRSVKKL